The following is an entry in ClinVar:

NM_000038.6(APC):c.4456_4458del (p.Asp1486del)

Gene: APC (APC regulator of Wnt signaling pathway; plus strand). Cytogenetic location: 5q22.2.
Variant type: Deletion.
Coding change: c.4456_4458del on transcript NM_000038.6 (MANE Select); coding-DNA positions 4456 to 4458, 3 bases deleted (GAT; older notation c.4456_4458delGAT).
Protein change: p.Asp1486del; deletes aspartic acid 1486.
Molecular consequence: inframe deletion.
Genome position (GRCh38, 1-based): chr5:112,840,050-112,840,052, GAT deleted; deleting any 3 consecutive bases within chr5:112,840,049-112,840,052 gives the same sequence; the c. name uses the placement nearest the transcript's 3' end. VCF-style (leftmost placement, unchanged base first): chr5-112840048-CTGA-C. GRCh37 (hg19) VCF-style: chr5-112175745-CTGA-C.
Other names: c.4456_4458del, p.Asp1486del (NM_001127510.3, NM_001354895.2); c.4402_4404del, p.Asp1468del (NM_001127511.3); c.4510_4512del, p.Asp1504del (NM_001354896.2); c.4486_4488del, p.Asp1496del (NM_001354897.2); c.4381_4383del, p.Asp1461del (NM_001354898.2); c.4372_4374del, p.Asp1458del (NM_001354899.2); c.4333_4335del, p.Asp1445del (NM_001354900.2); c.4279_4281del, p.Asp1427del (NM_001354901.2); and 6 more; short protein forms D1468del, D1486del, D1203del, D1385del, D1427del, D1445del, D1458del, D1360del.
Identifiers: ClinVar variation 371788 (VCV000371788.29), dbSNP rs761504791, ClinGen allele CA039104.
Genomic context (GRCh38, chr5:112,840,048, plus strand): 5'-GTGGACCTAAGCAAGCTGCAGTAAATGCTGCAGTTCAGAGGGTCCAGGTTCTTCCAGATG[CTGA>C]TACTTTATTACATTTTGCCACGGAAAGTACTCCAGATGGATTTTCTTGTTCATCCAGCCT-3'

ClinVar aggregate classification (germline): Uncertain significance. Review status: criteria provided, multiple submitters, no conflicts (2 of 4 stars). 9 submissions from 9 submitters: Uncertain significance (8). 1 of the submissions does not count toward it. Last evaluated 2025-09-03.

Conditions:
Classic or attenuated familial adenomatous polyposis. Identifiers: MedGen CN372698, MONDO:0021057.
Hereditary cancer-predisposing syndrome. Also called: Tumor predisposition; Hereditary neoplastic syndrome; Neoplastic Syndromes, Hereditary; Hereditary Cancer Syndrome. Identifiers: Orphanet 140162, MedGen C0027672, MeSH D009386, MONDO:0015356.
Familial adenomatous polyposis 1 (FAP1). Also called: FAMILIAL ADENOMATOUS POLYPOSIS 1, ATTENUATED; POLYPOSIS, ADENOMATOUS INTESTINAL. Identifiers: MedGen C2713442, MONDO:0021056, OMIM 175100. Disease mechanism: loss of function.

Submissions (9):

Labcorp Genetics (formerly Invitae), Labcorp
Classification: Uncertain significance for Familial adenomatous polyposis 1. Last evaluated: 2025-09-03. Review status: criteria provided, single submitter. Criteria: Invitae Variant Classification Sherloc (09022015). Collection method: clinical testing. Allele origin: germline.
Comment: This variant, c.4456_4458del, results in the deletion of 1 amino acid(s) of the APC protein (p.Asp1486del), but otherwise preserves the integrity of the reading frame. This variant is present in population databases (rs761504791, gnomAD 0.006%). This variant has not been reported in the literature in individuals affected with APC-related conditions. ClinVar contains an entry for this variant (Variation ID: 371788). Experimental studies and prediction algorithms are not available or were not evaluated, and the functional significance of this variant is currently unknown. In summary, the available evidence is currently insufficient to determine the role of this variant in disease. Therefore, it has been classified as a Variant of Uncertain Significance.

Ambry Genetics
Classification: Uncertain significance for Hereditary cancer-predisposing syndrome. Last evaluated: 2025-02-03. Review status: criteria provided, single submitter. Criteria: Ambry Variant Classification Scheme 2023. Collection method: clinical testing. Allele origin: germline.
Comment: The c.4456_4458delGAT variant (also known as p.D1486del) is located in coding exon 15 of the APC gene. This variant results from an in-frame GAT deletion at nucleotide positions 4456 to 4458. This results in the in-frame deletion of an aspartic acid at codon 1486. This amino acid position is highly conserved in available vertebrate species. In addition, the in silico prediction for this alteration is inconclusive (Choi Y et al. PLoS ONE. 2012; 7(10):e46688). Since supporting evidence is limited at this time, the clinical significance of this alteration remains unclear.

All of Us Research Program, National Institutes of Health
Classification: Uncertain significance for Classic or attenuated familial adenomatous polyposis. Last evaluated: 2024-04-10. Review status: criteria provided, single submitter. Criteria: ACMG Guidelines, 2015. Collection method: clinical testing. Allele origin: germline. Inheritance: Autosomal dominant inheritance. Observed: 3 variant alleles, 3 heterozygotes.
Comment: This variant is a single amino acid deletion at position 1486 in the APC protein. To our knowledge, functional studies have not been reported for this variant. This variant has not been reported in individuals affected with APC-related disorders in the literature. This variant has been identified in 2/250820 chromosomes in the general population by the Genome Aggregation Database (gnomAD). The available evidence is insufficient to determine the role of this variant in disease conclusively. Therefore, this variant is classified as a Variant of Uncertain Significance.

This study involves interpretation of variants in research participants for the purpose of population health screening. Participant phenotype was not available at the time of variant classification. Additional details can be found in publication PMID: 35346344, PMCID: PMC8962531

Color Diagnostics, LLC DBA Color Health
Classification: Uncertain significance for Hereditary cancer-predisposing syndrome. Last evaluated: 2023-12-05. Review status: criteria provided, single submitter. Criteria: ACMG Guidelines, 2015. Collection method: clinical testing. Allele origin: germline.
Comment: This variant is a single amino acid deletion at position 1486 in the APC protein. To our knowledge, functional studies have not been reported for this variant. This variant has not been reported in individuals affected with APC-related disorders in the literature. This variant has been identified in 2/250820 chromosomes in the general population by the Genome Aggregation Database (gnomAD). The available evidence is insufficient to determine the role of this variant in disease conclusively. Therefore, this variant is classified as a Variant of Uncertain Significance.

Baylor Genetics
Classification: Uncertain significance for Familial adenomatous polyposis 1. Last evaluated: 2023-09-21. Review status: criteria provided, single submitter. Criteria: ACMG Guidelines, 2015. Collection method: clinical testing. Allele origin: unknown.

Myriad Genetics, Inc.
Classification: Uncertain significance for Familial adenomatous polyposis 1. Last evaluated: 2023-02-14. Review status: criteria provided, single submitter. Criteria: Myriad Autosomal Dominant, Autosomal Recessive and X-Linked Classification Criteria (2023). Collection method: clinical testing. Allele origin: unknown.
Comment: This variant is classified as a variant of uncertain significance as there is insufficient evidence to determine its impact on protein function and/or cancer risk.

Quest Diagnostics Nichols Institute San Juan Capistrano
Classification: Uncertain significance. Last evaluated: 2022-12-28. Review status: criteria provided, single submitter. Criteria: Quest Diagnostics criteria. Collection method: clinical testing. Allele origin: unknown.
Comment: To the best of our knowledge, the variant has not been reported in the published literature. The frequency of this variant in the general population, 0.000008 (2/250820 chromosomes), is uninformative in assessment of its pathogenicity. Based on the available information, we are unable to determine the clinical significance of this variant.

GeneDx
Classification: Uncertain significance. Last evaluated: 2019-10-24. Review status: criteria provided, single submitter. Criteria: GeneDx Variant Classification Process June 2021. Collection method: clinical testing. Allele origin: germline. Affected: yes.
Comment: Has not been previously published as pathogenic or benign to our knowledge; In-frame deletion of 1 amino acid in a non-repeat region; In silico analysis, which includes protein predictors and evolutionary conservation, supports a deleterious effect; Not observed at a significant frequency in large population cohorts (Lek 2016); This variant is associated with the following publications: (PMID: 16753179)

Counsyl
Classification: Uncertain significance for Familial adenomatous polyposis 1. Last evaluated: 2015-11-21. Review status: no assertion criteria provided. Collection method: clinical testing. Allele origin: unknown. Not counted in ClinVar's aggregate classification.